The following is an entry in ClinVar:

ClinVar aggregate classification (germline): Uncertain significance (1 of 4 stars; one submission).

Conditions:
Familial hypercholesterolemia. Also called: Familial hypercholesterolaemia. Identifiers: MedGen C0020445, MONDO:0005439.

Submission:

Color Diagnostics, LLC DBA Color Health
Classification: Uncertain significance for Familial hypercholesterolemia. Last evaluated: 2025-07-14. Review status: criteria provided, single submitter. Criteria: ACMG Guidelines, 2015. Collection method: clinical testing. Allele origin: germline.
Comment: This missense variant replaces arginine with proline at codon 8 of the PCSK9 protein. Computational prediction suggests that this variant may not impact protein structure and function. To our knowledge, functional studies have not been reported for this variant. This variant has not been reported in individuals affected with PCSK9-related disorders in the literature. This variant has not been identified in the general population by the Genome Aggregation Database (gnomAD). The available evidence is insufficient to determine the role of this variant in disease conclusively. Therefore, this variant is classified as a Variant of Uncertain Significance.

NM_174936.4(PCSK9):c.23G>C (p.Arg8Pro)

Gene: PCSK9 (proprotein convertase subtilisin/kexin type 9; plus strand). Cytogenetic location: 1p32.3.
Variant type: single nucleotide variant.
Coding change: c.23G>C on transcript NM_174936.4 (MANE Select); coding-DNA position 23, G replaced by C.
Protein change: p.Arg8Pro; replaces arginine 8 with proline.
Molecular consequence: missense variant. On other transcripts: 5 prime UTR variant (1), non-coding transcript variant (8).
Genome position (GRCh38, 1-based): chr1:55,039,860, G>C. VCF-style: chr1-55039860-G-C. GRCh37 (hg19) VCF-style: chr1-55505533-G-C.
Other names: c.23G>C, p.Arg8Pro (NM_001407240.1, NM_001407241.1, NM_001407242.1 and 4 more transcripts); c.-712G>C (NM_001407246.1); short protein forms R8P.
Identifiers: ClinVar variation 4758907 (VCV004758907.1).
Genomic context (GRCh38, chr1:55,039,860, plus strand): 5'-GTCTCCTCGCCAGGACAGCAACCTCTCCCCTGGCCCTCATGGGCACCGTCAGCTCCAGGC[G>C]GTCCTGGTGGCCGCTGCCACTGCTGCTGCTGCTGCTGCTGCTCCTGGGTCCCGCGGGCGC-3'
Protein context (NP_777596.2, residues 1-18): MGTVSSR[Arg8Pro]SWWPLPLLLL